The following is an entry in ClinVar:

NM_000211.5(ITGB2):c.994-47G>A

Gene: ITGB2 (integrin subunit beta 2; minus strand). Cytogenetic location: 21q22.3.
Variant type: single nucleotide variant.
Coding change: c.994-47G>A on transcript NM_000211.5 (MANE Select); 47 bases into the intron before coding-DNA position 994, G replaced by A.
Molecular consequence: intron variant.
Genome position (GRCh38, 1-based): chr21:44,895,107, C>T on the plus strand (G>A on the coding strand, the complement: ITGB2 is on the minus strand). VCF-style: chr21-44895107-C-T. GRCh37 (hg19) VCF-style: chr21-46315022-C-T.
Other names: c.994-47G>A (LRG_76t1, NM_001127491.3); c.787-47G>A (NM_001303238.2).
Identifiers: ClinVar variation 100765 (VCV000100765.9), dbSNP rs2838725, ClinGen allele CA249785.

ClinVar aggregate classification (germline): Benign. Review status: criteria provided, multiple submitters, no conflicts (2 of 4 stars). 4 submissions from 4 submitters: Benign (4). Last evaluated 2024-01-24.

Conditions:
Leukocyte adhesion deficiency 1 (LAD1). Also called: LEUKOCYTE ADHESION DEFICIENCY, TYPE I; LAD 1; Lymphocyte function-associated antigen 1 immunodeficiency; LFA 1 immunodeficiency. Identifiers: Orphanet 2968, Orphanet 99842, MedGen C0398738, MONDO:0007293, OMIM 116920.

Allele frequency attached by ClinVar (database versions not stated): 1000 Genomes Project 0.20727; 1000 Genomes Project 30x 0.21440; gnomAD exomes 0.22847 and 0.24466; ExAC 0.23505; gnomAD 0.24312 and 0.24547; TOPMed 0.24393; ESP Exome Variant Server 0.25350.
gnomAD v4.1: 340,811 of 1,393,180 alleles (24%); highest among the groups gnomAD compares: Middle Eastern, 40%; 43,577 homozygotes.

Submissions (4):

Unidad de Genómica Garrahan, Hospital de Pediatría Garrahan
Classification: Benign. Last evaluated: 2024-01-24. Review status: criteria provided, single submitter. Criteria: ACMG Guidelines, 2015. Collection method: clinical testing. Allele origin: germline. Affected: no. Observed: 40 variant alleles.
Comment: This variant is classified as Benign based on local population frequency. This variant was detected in 42% of patients studied by a panel of primary immunodeficiencies. Number of patients: 40. Only high quality variants are reported.

Genomic Research Center, Shahid Beheshti University of Medical Sciences
Classification: Benign for Leukocyte adhesion deficiency 1. Last evaluated: 2020-05-03. Review status: criteria provided, single submitter. Criteria: ACMG Guidelines, 2015. Collection method: clinical testing. Allele origin: unknown.

GeneDx
Classification: Benign. Last evaluated: 2015-03-03. Review status: criteria provided, single submitter. Criteria: GeneDx Variant Classification Process June 2021. Collection method: clinical testing. Allele origin: germline. Affected: yes.

Breakthrough Genomics
Classification: Benign. Review status: criteria provided, single submitter. Criteria: ACMG Guidelines, 2015. Collection method: not provided. Allele origin: germline. Inheritance: Autosomal recessive inheritance. Affected: yes.